The following is an entry in ClinVar:

NM_001322934.2(NFKB2):c.1469+9C>T

Gene: NFKB2 (nuclear factor kappa B subunit 2; plus strand). Cytogenetic location: 10q24.32.
Variant type: single nucleotide variant.
Coding change: c.1469+9C>T on transcript NM_001322934.2 (MANE Select); 9 bases into the intron after coding-DNA position 1469, C replaced by T.
Molecular consequence: intron variant.
Genome position (GRCh38, 1-based): chr10:102,399,727, C>T. VCF-style: chr10-102399727-C-T. GRCh37 (hg19) VCF-style: chr10-104159484-C-T.
Other names: c.1469+9C>T (NM_001288724.1, NM_001077494.3, NM_001261403.3 and 1 more transcripts); c.1343+9C>T (NM_001322935.1).
Identifiers: ClinVar variation 2640792 (VCV002640792.24), dbSNP rs759941890, ClinGen allele CA5664816.
Genomic context (GRCh38, chr10:102,399,727, plus strand): 5'-TGCTGGCGGGACAGCGCCACCTGCTGACGGCGCAGGACGAGAACGGAGACACGTAGGCAA[C>T]AGAGGGCCTGGCGGACGAGGCGCGGGGTGGGGGCAGGAAAGGGACCGGCACGGAGGCGGG-3'

ClinVar aggregate classification (germline): Likely benign (1 of 4 stars; one submission).

Allele frequency attached by ClinVar (database versions not stated): gnomAD 0.00001; gnomAD exomes 0.00001; TOPMed 0.00001.
gnomAD v4.1: 8 of 1,461,182 alleles (0.00055%); highest among the groups gnomAD compares: African/African-American, 0.0057%; no homozygotes.

Submission:

CeGaT Center for Human Genetics Tuebingen
Classification: Likely benign. Last evaluated: 2022-08-01. Review status: criteria provided, single submitter. Criteria: CeGaT Center For Human Genetics Tuebingen Variant Classification Criteria Version 2. Collection method: clinical testing. Allele origin: germline. Affected: yes. Observed: 1 variant allele.
Comment: NFKB2: BP4